The following is an entry in ClinVar:

NM_000465.4(BARD1):c.2098G>T (p.Gly700Cys)

Gene: BARD1 (BRCA1 associated RING domain 1; minus strand). Cytogenetic location: 2q35.
Variant type: single nucleotide variant.
Coding change: c.2098G>T on transcript NM_000465.4 (MANE Select); coding-DNA position 2098, G replaced by T.
Protein change: p.Gly700Cys; replaces glycine 700 with cysteine.
Molecular consequence: missense variant. On other transcripts: non-coding transcript variant (3).
Genome position (GRCh38, 1-based): chr2:214,728,912, C>A on the plus strand (G>T on the coding strand, the complement: BARD1 is on the minus strand). VCF-style: chr2-214728912-C-A. GRCh37 (hg19) VCF-style: chr2-215593636-C-A.
Other names: c.2041G>T, p.Gly681Cys (NM_001282543.2); c.745G>T, p.Gly249Cys (NM_001282545.2); c.688G>T, p.Gly230Cys (NM_001282548.2); c.559G>T, p.Gly187Cys (NM_001282549.2); short protein forms G230C, G681C, G187C, G249C, G700C.
Identifiers: ClinVar variation 4826594 (VCV004826594.1).
Genomic context (GRCh38, chr2:214,728,912, plus strand): 5'-CTGTATTGATGGTCTGAGTCACGTCACTGTCTGGCTTGGGCTTTCTACTGAGGATCTGGC[C>A]CCCACCTGCAGTGACGAGCTTAATAAGGTTGTCCTTTGGATGGTGTTTGAAGGTTCCCCA-3'
Protein context (NP_000456.2, residues 690-710): NLIKLVTAGG[Gly700Cys]QILSRKPKPD

ClinVar aggregate classification (germline): Uncertain significance (1 of 4 stars; one submission).

Conditions:
Hereditary cancer-predisposing syndrome. Also called: Neoplastic Syndromes, Hereditary; Tumor predisposition; Hereditary Cancer Syndrome; Hereditary neoplastic syndrome. Identifiers: Orphanet 140162, MedGen C0027672, MeSH D009386, MONDO:0015356.

Submission:

Ambry Genetics
Classification: Uncertain significance for Hereditary cancer-predisposing syndrome. Last evaluated: 2026-03-12. Review status: criteria provided, single submitter. Criteria: Ambry Variant Classification Scheme 2023. Collection method: clinical testing. Allele origin: germline.
Comment: The p.G700C variant (also known as c.2098G>T), located in coding exon 11 of the BARD1 gene, results from a G to T substitution at nucleotide position 2098. The glycine at codon 700 is replaced by cysteine, an amino acid with highly dissimilar properties. This amino acid position is conserved. In addition, the in silico prediction for this alteration is inconclusive. Based on the available evidence, the clinical significance of this variant remains unclear.